The following is an entry in ClinVar:

NM_000059.4(BRCA2):c.3107A>G (p.Glu1036Gly)

Gene: BRCA2 (BRCA2 DNA repair associated; plus strand). Cytogenetic location: 13q13.1.
Variant type: single nucleotide variant.
Coding change: c.3107A>G on transcript NM_000059.4 (MANE Select); coding-DNA position 3107, A replaced by G.
Protein change: p.Glu1036Gly; replaces glutamic acid 1036 with glycine.
Molecular consequence: missense variant. On other transcripts: non-coding transcript variant (1), intron variant (2).
Genome position (GRCh38, 1-based): chr13:32,337,462, A>G. VCF-style: chr13-32337462-A-G. GRCh37 (hg19) VCF-style: chr13-32911599-A-G.
Other names: c.3107A>G, p.Glu1036Gly (NM_001406719.1, NM_001406720.1); c.1909+4075A>G (NM_001406721.1); c.424+6432A>G (NM_001406722.1); short protein forms E1036G.
Identifiers: ClinVar variation 2566054 (VCV002566054.7), dbSNP rs1555283053, ClinGen allele CA387775383.

ClinVar aggregate classification (germline): Uncertain significance. Review status: criteria provided, multiple submitters, no conflicts (2 of 4 stars). 3 submissions from 3 submitters: Uncertain significance (3). Last evaluated 2025-06-18.

Conditions:
Hereditary cancer-predisposing syndrome. Also called: Neoplastic Syndromes, Hereditary; Hereditary Cancer Syndrome; Tumor predisposition; Hereditary neoplastic syndrome. Identifiers: Orphanet 140162, MedGen C0027672, MeSH D009386, MONDO:0015356.
Hereditary breast ovarian cancer syndrome. Also called: Hereditary breast and ovarian cancer syndrome (HBOC); BRCA1- and BRCA2-Associated Hereditary Breast and Ovarian Cancer; Hereditary breast and ovarian cancer syndrome; Hereditary breast and ovarian cancer; Hereditary breast and/or ovarian cancer syndrome; Breast and ovarian cancer. Identifiers: Orphanet 145, MedGen C0677776, MeSH D061325, MONDO:0003582. Disease mechanism: loss of function.
Breast-ovarian cancer, familial, susceptibility to, 2 (BROVCA2). Also called: BRCA2 Hereditary Breast and Ovarian Cancer. Identifiers: Orphanet 145, MedGen C2675520, MONDO:0012933, OMIM 612555. Disease mechanism: loss of function.

Submissions (3):

Ambry Genetics
Classification: Uncertain significance for Hereditary cancer-predisposing syndrome. Last evaluated: 2025-06-18. Review status: criteria provided, single submitter. Criteria: Ambry Variant Classification Scheme 2023. Collection method: clinical testing. Allele origin: germline.
Comment: The p.E1036G variant (also known as c.3107A>G), located in coding exon 10 of the BRCA2 gene, results from an A to G substitution at nucleotide position 3107. The glutamic acid at codon 1036 is replaced by glycine, an amino acid with similar properties. This amino acid position is conserved. In addition, the in silico prediction for this alteration is inconclusive. Since supporting evidence is limited at this time, the clinical significance of this alteration remains unclear.

Labcorp Genetics (formerly Invitae), Labcorp
Classification: Uncertain significance for Hereditary breast ovarian cancer syndrome. Last evaluated: 2025-05-25. Review status: criteria provided, single submitter. Criteria: Invitae Variant Classification Sherloc (09022015). Collection method: clinical testing. Allele origin: germline.
Comment: This sequence change replaces glutamic acid, which is acidic and polar, with glycine, which is neutral and non-polar, at codon 1036 of the BRCA2 protein (p.Glu1036Gly). This variant is not present in population databases (gnomAD no frequency). This variant has not been reported in the literature in individuals affected with BRCA2-related conditions. ClinVar contains an entry for this variant (Variation ID: 2566054). Invitae Evidence Modeling of protein sequence and biophysical properties (such as structural, functional, and spatial information, amino acid conservation, physicochemical variation, residue mobility, and thermodynamic stability) indicates that this missense variant is not expected to disrupt BRCA2 protein function with a negative predictive value of 95%. In summary, the available evidence is currently insufficient to determine the role of this variant in disease. Therefore, it has been classified as a Variant of Uncertain Significance.

All of Us Research Program, National Institutes of Health
Classification: Uncertain significance for Breast-ovarian cancer, familial, susceptibility to, 2. Last evaluated: 2023-03-23. Review status: criteria provided, single submitter. Criteria: ACMG Guidelines, 2015. Collection method: clinical testing. Allele origin: germline. Inheritance: Autosomal dominant inheritance. Observed: 1 variant allele, 1 heterozygote.
Comment: This missense variant replaces glutamic acid with glycine at codon 1036 of the BRCA2 protein. Computational prediction suggests that this variant may not impact protein structure and function (internally defined REVEL score threshold <= 0.5, PMID: 27666373). To our knowledge, functional studies have not been reported for this variant. This variant has not been reported in individuals affected with hereditary cancer in the literature. This variant has not been identified in the general population by the Genome Aggregation Database (gnomAD). The available evidence is insufficient to determine the role of this variant in disease conclusively. Therefore, this variant is classified as a Variant of Uncertain Significance.

This study involves interpretation of variants in research participants for the purpose of population health screening. Participant phenotype was not available at the time of variant classification. Additional details can be found in publication PMID: 35346344, PMCID: PMC8962531